The following is an entry in ClinVar:

ClinVar aggregate classification (germline): Pathogenic/Likely pathogenic. Review status: criteria provided, multiple submitters, no conflicts (2 of 4 stars). 5 submissions from 5 submitters: Pathogenic (4); Likely pathogenic (1). Last evaluated 2026-03-10.

Conditions:
SERPINF1-related disorder. Also called: SERPINF1-related condition.
Osteogenesis imperfecta type 6. Also called: Osteogenesis imperfecta, type VI. Identifiers: Orphanet 666, MedGen C3279564, MONDO:0013515, OMIM 613982.

Allele frequency attached by ClinVar (database versions not stated): gnomAD 0.00001.
gnomAD v4.1: 12 of 1,613,780 alleles (0.00074%); highest among the groups gnomAD compares: Admixed American, 0.0017%; no homozygotes.

Submissions (5):

PreventionGenetics, part of Exact Sciences
Classification: Pathogenic for SERPINF1-related condition. Last evaluated: 2026-03-10. Review status: criteria provided, single submitter. Criteria: ACMG Guidelines, 2015. Collection method: clinical testing. Allele origin: germline.
Comment: The SERPINF1 c.907C>T variant is predicted to result in premature protein termination (p.Arg303*). This variant was reported in the homozygous state in individuals with osteogenesis imperfecta (Table S1, Li et al. 2019. PubMed ID: 30715774; Table S2, Madhuri et al. 2020. PubMed ID: 32770541; Table 1F, Lin et al. 2023. PubMed ID: 37270749). This variant is reported in 0.0054% of alleles in individuals of East Asian descent in gnomAD. Nonsense variants in SERPINF1 are expected to be pathogenic. This variant is interpreted as pathogenic.

Labcorp Genetics (formerly Invitae), Labcorp
Classification: Pathogenic. Last evaluated: 2025-12-31. Review status: criteria provided, single submitter. Criteria: Invitae Variant Classification Sherloc (09022015). Collection method: clinical testing. Allele origin: germline.
Comment: This sequence change creates a premature translational stop signal (p.Arg303*) in the SERPINF1 gene. It is expected to result in an absent or disrupted protein product. Loss-of-function variants in SERPINF1 are known to be pathogenic (PMID: 21353196, 21826736). This variant is present in population databases (rs763291398, gnomAD 0.006%). This premature translational stop signal has been observed in individual(s) with osteogenesis imperfecta (PMID: 30715774, 32770541). ClinVar contains an entry for this variant (Variation ID: 1299422). For these reasons, this variant has been classified as Pathogenic.

Revvity Omics, Revvity
Classification: Pathogenic for Osteogenesis imperfecta type 6. Last evaluated: 2024-07-05. Review status: criteria provided, single submitter. Criteria: ACMG Guidelines, 2015. Collection method: clinical testing. Allele origin: germline.

Fulgent Genetics
Classification: Pathogenic for Osteogenesis imperfecta type 6. Last evaluated: 2024-01-17. Review status: criteria provided, single submitter. Criteria: ACMG Guidelines, 2015. Collection method: clinical testing. Allele origin: germline.

GenePathDx, GenePath diagnostics
Classification: Likely pathogenic for Osteogenesis imperfecta type 6. Last evaluated: 2021-10-07. Review status: criteria provided, single submitter. Criteria: GenePathDx_Criteria_classificationV2. Collection method: clinical testing. Allele origin: inherited. Inheritance: Autosomal recessive inheritance. Affected: yes. Observed: 1 homozygote.
Comment: No other pathogenic or likely pathogenic variants in any genes associated with OI.

Literature cited by the submitters: PubMed 21353196 (cited by Labcorp Genetics (formerly Invitae), Labcorp); PubMed 21826736 (cited by Labcorp Genetics (formerly Invitae), Labcorp); PubMed 30715774 (cited by Labcorp Genetics (formerly Invitae), Labcorp); PubMed 32770541 (cited by Labcorp Genetics (formerly Invitae), Labcorp).

NM_002615.7(SERPINF1):c.907C>T (p.Arg303Ter)

Gene: SERPINF1 (serpin family F member 1; plus strand). Cytogenetic location: 17p13.3.
Variant type: single nucleotide variant.
Coding change: c.907C>T on transcript NM_002615.7 (MANE Select); coding-DNA position 907, C replaced by T.
Protein change: p.Arg303Ter; replaces arginine 303 with a stop codon.
Molecular consequence: nonsense.
Genome position (GRCh38, 1-based): chr17:1,776,652, C>T. VCF-style: chr17-1776652-C-T. GRCh37 (hg19) VCF-style: chr17-1679946-C-T.
Other names: c.907C>T (NM_002615.6); c.907C>T, p.Arg303Ter (NM_001329903.2); c.346C>T, p.Arg116Ter (NM_001329904.2, NM_001329905.2); short protein forms R116*, R303*.
Identifiers: ClinVar variation 1299422 (VCV001299422.10), dbSNP rs763291398, ClinGen allele CA8274887.